The following is an entry in ClinVar:

ClinVar aggregate classification (germline): Uncertain significance (1 of 4 stars; one submission).

Conditions:
Brugada syndrome 8 (BRGDA8). Identifiers: Orphanet 130, MedGen C2751083, MONDO:0013148, OMIM 613123.

gnomAD v4.1: 3 of 1,574,264 alleles (0.00019%); highest among the groups gnomAD compares: Non-Finnish European, 0.000086%; no homozygotes.

Submission:

Labcorp Genetics (formerly Invitae), Labcorp
Classification: Uncertain significance for Brugada syndrome 8. Last evaluated: 2024-06-13. Review status: criteria provided, single submitter. Criteria: Invitae Variant Classification Sherloc (09022015). Collection method: clinical testing. Allele origin: germline.
Comment: This sequence change replaces serine, which is neutral and polar, with threonine, which is neutral and polar, at codon 1131 of the HCN4 protein (p.Ser1131Thr). This variant is present in population databases (no rsID available, gnomAD 0.007%). This variant has not been reported in the literature in individuals affected with HCN4-related conditions. Advanced modeling of protein sequence and biophysical properties (such as structural, functional, and spatial information, amino acid conservation, physicochemical variation, residue mobility, and thermodynamic stability) performed at Invitae indicates that this missense variant is not expected to disrupt HCN4 protein function with a negative predictive value of 95%. In summary, the available evidence is currently insufficient to determine the role of this variant in disease. Therefore, it has been classified as a Variant of Uncertain Significance.

NM_005477.3(HCN4):c.3392G>C (p.Ser1131Thr)

Gene: HCN4 (hyperpolarization activated cyclic nucleotide gated potassium channel 4; minus strand). Cytogenetic location: 15q24.1.
Variant type: single nucleotide variant.
Coding change: c.3392G>C on transcript NM_005477.3 (MANE Select); coding-DNA position 3392, G replaced by C.
Protein change: p.Ser1131Thr; replaces serine 1131 with threonine.
Molecular consequence: missense variant.
Genome position (GRCh38, 1-based): chr15:73,322,701, C>G on the plus strand (G>C on the coding strand, the complement: HCN4 is on the minus strand). VCF-style: chr15-73322701-C-G. GRCh37 (hg19) VCF-style: chr15-73615042-C-G.
Other names: short protein forms S1131T.
Identifiers: ClinVar variation 3711077 (VCV003711077.2).
Genomic context (GRCh38, chr15:73,322,701, plus strand): 5'-GTGACGTGCTGGCCGGGGATGGCACCATAGGGCCTCCCAGGGGGACCGAGGCCCCCGCTG[C>G]TCCCACTGCCCCCGCTGCCACCCCCAGCCCTGGGGAAGAGCGGGAAGGCAGCCATGGACT-3'
Protein context (NP_005468.1, residues 1121-1141): RAGGGSGGSG[Ser1131Thr]SGGLGPPGRP